The following is an entry in ClinVar:

NM_000187.4(HGD):c.1185del (p.Met396fs)

Gene: HGD (homogentisate 1,2-dioxygenase; minus strand). Cytogenetic location: 3q13.33.
Variant type: Deletion.
Coding change: c.1185del on transcript NM_000187.4 (MANE Select); coding-DNA position 1185, one base deleted (C; older notation c.1185delC).
Protein change: p.Met396fs; shifts the reading frame from methionine 396.
Molecular consequence: frameshift variant.
Genome position (GRCh38, 1-based): chr3:120,633,150, G deleted on the plus strand (C on the coding strand, the reverse complement: HGD is on the minus strand); the first of 2 consecutive G bases (chr3:120,633,150-120,633,151); deleting either gives the same sequence. VCF-style (leftmost placement, unchanged base first): chr3-120633149-TG-T. GRCh37 (hg19) VCF-style: chr3-120351996-TG-T.
Other names: short protein forms M396fs.
Identifiers: ClinVar variation 1076110 (VCV001076110.9), dbSNP rs2107489196, ClinGen allele CA2499216401.

ClinVar aggregate classification (germline): Pathogenic (1 of 4 stars; one submission).

Conditions:
Alkaptonuria (AKU). Also called: Homogentisic acidura; Alkaptonuric ochronosis; Alcaptonuria; HOMOGENTISIC ACID OXIDASE DEFICIENCY. Identifiers: Orphanet 56, MedGen C0002066, MONDO:0008753, OMIM 203500.

Submission:

Labcorp Genetics (formerly Invitae), Labcorp
Classification: Pathogenic for Alkaptonuria. Last evaluated: 2020-06-25. Review status: criteria provided, single submitter. Criteria: Invitae Variant Classification Sherloc (09022015). Collection method: clinical testing. Allele origin: germline.
Comment: For these reasons, this variant has been classified as Pathogenic. This variant disrupts the C-terminus of the HGD protein. Other variant(s) that disrupt this region (p.Lys431Hisfs*11) have been determined to be pathogenic (PMID: 23430897). This suggests that variants that disrupt this region of the protein are likely to be causative of disease. This variant has not been reported in the literature in individuals with HGD-related conditions. This variant is not present in population databases (ExAC no frequency). This sequence change results in a premature translational stop signal in the HGD gene (p.Met396Trpfs*9). While this is not anticipated to result in nonsense mediated decay, it is expected to disrupt the last 50 amino acids of the HGD protein.

Literature cited by the submitters: PubMed 23430897.